The following is an entry in ClinVar:

ClinVar aggregate classification (germline): Uncertain significance. Review status: criteria provided, multiple submitters, no conflicts (2 of 4 stars). 2 submissions from 2 submitters: Uncertain significance (2). Last evaluated 2025-01-15.

Conditions:
Developmental and epileptic encephalopathy, 23 (DEE23). Also called: Epileptic encephalopathy, early infantile, 23. Identifiers: Orphanet 411986, MedGen C4014492, MONDO:0014371, OMIM 615859.
Inborn genetic diseases. Identifiers: MedGen C0950123, MeSH D030342.

Allele frequency attached by ClinVar (database versions not stated): ExAC 0.00002; gnomAD exomes 0.00002 and 0.00006; TOPMed 0.00002.
gnomAD v4.1: 90 of 1,610,418 alleles (0.0056%); highest among the groups gnomAD compares: Non-Finnish European, 0.007%; no homozygotes.

Submissions (2):

Ambry Genetics
Classification: Uncertain significance for Inborn genetic diseases. Last evaluated: 2025-01-15. Review status: criteria provided, single submitter. Criteria: Ambry Variant Classification Scheme 2023. Collection method: clinical testing. Allele origin: germline.

Labcorp Genetics (formerly Invitae), Labcorp
Classification: Uncertain significance for Developmental and epileptic encephalopathy, 23. Last evaluated: 2022-04-12. Review status: criteria provided, single submitter. Criteria: Invitae Variant Classification Sherloc (09022015). Collection method: clinical testing. Allele origin: germline.
Comment: This sequence change replaces proline, which is neutral and non-polar, with alanine, which is neutral and non-polar, at codon 254 of the DOCK7 protein (p.Pro254Ala). This variant is present in population databases (rs199803893, gnomAD 0.004%). This variant has not been reported in the literature in individuals affected with DOCK7-related conditions. ClinVar contains an entry for this variant (Variation ID: 475170). Algorithms developed to predict the effect of missense changes on protein structure and function (SIFT, PolyPhen-2, Align-GVGD) all suggest that this variant is likely to be tolerated. In summary, the available evidence is currently insufficient to determine the role of this variant in disease. Therefore, it has been classified as a Variant of Uncertain Significance.

NM_001367561.1(DOCK7):c.760C>G (p.Pro254Ala)

Gene: DOCK7 (dedicator of cytokinesis 7; minus strand). Cytogenetic location: 1p31.3.
Variant type: single nucleotide variant.
Coding change: c.760C>G on transcript NM_001367561.1 (MANE Select); coding-DNA position 760, C replaced by G.
Protein change: p.Pro254Ala; replaces proline 254 with alanine.
Molecular consequence: missense variant.
Genome position (GRCh38, 1-based): chr1:62,647,749, G>C on the plus strand (C>G on the coding strand, the complement: DOCK7 is on the minus strand). VCF-style: chr1-62647749-G-C. GRCh37 (hg19) VCF-style: chr1-63113420-G-C.
Other names: c.760C>G, p.Pro254Ala (NM_001271999.2, NM_001272000.2, NM_001272001.2 and 3 more transcripts); c.760C>G (NM_033407.2); short protein forms P254A.
Identifiers: ClinVar variation 475170 (VCV000475170.9), dbSNP rs199803893, ClinGen allele CA887120.